The following is an entry in ClinVar:

NM_001429.4(EP300):c.4190_4191dup (p.Leu1398fs)

Gene: EP300 (E1A binding protein p300; plus strand). Cytogenetic location: 22q13.2.
Variant type: Duplication.
Coding change: c.4190_4191dup on transcript NM_001429.4 (MANE Select); coding-DNA positions 4190 to 4191, 2 bases duplicated (AC; older notation c.4190_4191dupAC).
Protein change: p.Leu1398fs; shifts the reading frame from leucine 1398.
Molecular consequence: frameshift variant.
Genome position (GRCh38, 1-based): chr22:41,169,520-41,169,521, AC duplicated. VCF-style (leftmost placement, unchanged base first): chr22-41169519-T-TAC. GRCh37 (hg19) VCF-style: chr22-41565523-T-TAC.
Other names: c.4190_4191dupAC (NM_001429.3); c.4112_4113dup, p.Leu1372fs (NM_001362843.2); short protein forms L1372fs, L1398fs.
Identifiers: ClinVar variation 504110 (VCV000504110.1), dbSNP rs1555911201, ClinGen allele CA658799554.

ClinVar aggregate classification (germline): Pathogenic (1 of 4 stars; one submission).

Submission:

GeneDx
Classification: Pathogenic. Last evaluated: 2018-01-24. Review status: criteria provided, single submitter. Criteria: GeneDx Variant Classification (06012015). Collection method: clinical testing. Allele origin: germline. Affected: yes.
Comment: The c.4190_4191dupAC variant in the EP300 gene has not been reported previously as a pathogenic variant nor as a benign variant, to our knowledge. The c.4190_4191dupAC variant causes a frameshift starting with codon Leucine 1398, changes this amino acid to a Threonine residue, and creates a premature Stop codon at position 13 of the new reading frame, denoted p.Leu1398ThrfsX13. This variant is predicted to cause loss of normal protein function either through protein truncation or nonsense-mediated mRNA decay. The c.4190_4191dupAC variant is not observed in large population cohorts (Lek et al., 2016). We interpret c.4190_4191dupAC as a pathogenic variant.